The following is an entry in ClinVar:

NM_004560.4(ROR2):c.1601C>A (p.Pro534His)

Gene: ROR2 (receptor tyrosine kinase like orphan receptor 2; minus strand). Cytogenetic location: 9q22.31.
Variant type: single nucleotide variant.
Coding change: c.1601C>A on transcript NM_004560.4 (MANE Select); coding-DNA position 1601, C replaced by A.
Protein change: p.Pro534His; replaces proline 534 with histidine.
Molecular consequence: missense variant.
Genome position (GRCh38, 1-based): chr9:91,724,893, G>T on the plus strand (C>A on the coding strand, the complement: ROR2 is on the minus strand). VCF-style: chr9-91724893-G-T. GRCh37 (hg19) VCF-style: chr9-94487175-G-T.
Other names: c.1601C>A (NM_004560.3); short protein forms P534H.
Identifiers: ClinVar variation 1403084 (VCV001403084.11), dbSNP rs762554351, ClinGen allele CA5120636.

ClinVar aggregate classification (germline): Uncertain significance. Review status: criteria provided, multiple submitters, no conflicts (2 of 4 stars). 4 submissions from 4 submitters: Uncertain significance (4). Last evaluated 2026-01-05.

Conditions:
Brachydactyly type B1 (BDB1). Identifiers: Orphanet 572385, Orphanet 93383, MedGen C1862112, MONDO:0007220, OMIM 113000.
Autosomal recessive Robinow syndrome (RRS1). Also called: COSTOVERTEBRAL SEGMENTATION DEFECT WITH MESOMELIA; COVESDEM SYNDROME; ROR2-Related Robinow Syndrome; ROBINOW SYNDROME, AUTOSOMAL RECESSIVE 1. Identifiers: Orphanet 1507, Orphanet 97360, MedGen C5399974, MONDO:0009999, OMIM 268310.
Inborn genetic diseases. Identifiers: MedGen C0950123, MeSH D030342.

Allele frequency attached by ClinVar (database versions not stated): gnomAD 0.00002; TOPMed 0.00006; gnomAD exomes 0.00013; ExAC 0.00014.
gnomAD v4.1: 41 of 1,606,380 alleles (0.0026%); highest among the groups gnomAD compares: Admixed American, 0.059%; no homozygotes.

Submissions (4):

Labcorp Genetics (formerly Invitae), Labcorp
Classification: Uncertain significance. Last evaluated: 2026-01-05. Review status: criteria provided, single submitter. Criteria: Invitae Variant Classification Sherloc (09022015). Collection method: clinical testing. Allele origin: germline.
Comment: This sequence change replaces proline, which is neutral and non-polar, with histidine, which is basic and polar, at codon 534 of the ROR2 protein (p.Pro534His). This variant is present in population databases (rs762554351, gnomAD 0.09%). This variant has not been reported in the literature in individuals affected with ROR2-related conditions. ClinVar contains an entry for this variant (Variation ID: 1403084). Invitae Evidence Modeling of protein sequence and biophysical properties (such as structural, functional, and spatial information, amino acid conservation, physicochemical variation, residue mobility, and thermodynamic stability) has been performed for this missense variant. However, the output from this modeling did not meet the statistical confidence thresholds required to predict the impact of this variant on ROR2 protein function. In summary, the available evidence is currently insufficient to determine the role of this variant in disease. Therefore, it has been classified as a Variant of Uncertain Significance.

Ambry Genetics
Classification: Uncertain significance for Inborn genetic diseases. Last evaluated: 2025-08-13. Review status: criteria provided, single submitter. Criteria: Ambry Variant Classification Scheme 2023. Collection method: clinical testing. Allele origin: germline.
Comment: Unlikely to be causative of brachydactyly, type B1 (AD) Based on insufficient or conflicting evidence, the clinical significance of this alteration remains unclear.

GeneDx
Classification: Uncertain significance. Last evaluated: 2024-03-26. Review status: criteria provided, single submitter. Criteria: GeneDx Variant Classification Process June 2021. Collection method: clinical testing. Allele origin: germline. Affected: yes.
Comment: In silico analysis supports that this missense variant has a deleterious effect on protein structure/function; Has not been previously published as pathogenic or benign to our knowledge

Fulgent Genetics
Classification: Uncertain significance for Brachydactyly type B1; Autosomal recessive Robinow syndrome. Last evaluated: 2024-03-20. Review status: criteria provided, single submitter. Criteria: ACMG Guidelines, 2015. Collection method: clinical testing. Allele origin: germline.